The following is an entry in ClinVar:

ClinVar aggregate classification (germline): Pathogenic (1 of 4 stars; one submission).

Conditions:
Autosomal recessive nonsyndromic hearing loss 3. Also called: NEUROSENSORY NONSYNDROMIC RECESSIVE DEAFNESS 3. Identifiers: Orphanet 90636, MedGen C1838263, MONDO:0010860, OMIM 600316.

Submission:

Institute of Rare Diseases, West China Hospital, Sichuan University
Classification: Pathogenic for Autosomal recessive nonsyndromic hearing loss 3. Last evaluated: 2025-01-09. Review status: criteria provided, single submitter. Criteria: ClinGen HL ACMG Specifications v1. Collection method: research. Allele origin: germline. Affected: yes.
Comment: PVS1;PM3;PM2_Supporting

NM_016239.4(MYO15A):c.4876-1G>A

Gene: MYO15A (myosin XVA; plus strand). Cytogenetic location: 17p11.2.
Variant type: single nucleotide variant.
Coding change: c.4876-1G>A on transcript NM_016239.4 (MANE Select); the canonical splice acceptor site of the intron before coding-DNA position 4876, G replaced by A.
Molecular consequence: splice acceptor variant.
Genome position (GRCh38, 1-based): chr17:18,138,114, G>A. VCF-style: chr17-18138114-G-A. GRCh37 (hg19) VCF-style: chr17-18041428-G-A.
Identifiers: ClinVar variation 3601347 (VCV003601347.1).